The following is an entry in ClinVar:

ClinVar aggregate classification (germline): Uncertain significance. Review status: criteria provided, multiple submitters, no conflicts (2 of 4 stars). 2 submissions from 2 submitters: Uncertain significance (2). Last evaluated 2025-07-15.

Conditions:
Inborn genetic diseases. Identifiers: MedGen C0950123, MeSH D030342.

Allele frequency attached by ClinVar (database versions not stated): gnomAD exomes 0.00001; TOPMed 0.00001; gnomAD 0.00003.

Submissions (2):

Ambry Genetics
Classification: Uncertain significance for Inborn genetic diseases. Last evaluated: 2025-07-15. Review status: criteria provided, single submitter. Criteria: Ambry Variant Classification Scheme 2023. Collection method: clinical testing. Allele origin: germline.

GeneDx
Classification: Uncertain significance. Last evaluated: 2022-05-11. Review status: criteria provided, single submitter. Criteria: GeneDx Variant Classification Process June 2021. Collection method: clinical testing. Allele origin: germline. Affected: yes.
Comment: Not observed at significant frequency in large population cohorts (gnomAD); In silico analysis supports that this missense variant does not alter protein structure/function; Has not been previously published as pathogenic or benign to our knowledge

NM_004970.3(IGFALS):c.655G>A (p.Glu219Lys)

Gene: IGFALS (insulin like growth factor binding protein acid labile subunit; minus strand). Cytogenetic location: 16p13.3.
Variant type: single nucleotide variant.
Coding change: c.655G>A on transcript NM_004970.3 (MANE Select); coding-DNA position 655, G replaced by A.
Protein change: p.Glu219Lys; replaces glutamic acid 219 with lysine.
Molecular consequence: missense variant. On other transcripts: non-coding transcript variant (1).
Genome position (GRCh38, 1-based): chr16:1,791,763, C>T on the plus strand (G>A on the coding strand, the complement: IGFALS is on the minus strand). VCF-style: chr16-1791763-C-T. GRCh37 (hg19) VCF-style: chr16-1841764-C-T.
Other names: c.769G>A, p.Glu257Lys (NM_001146006.2); short protein forms E219K, E257K.
Identifiers: ClinVar variation 1723698 (VCV001723698.6), dbSNP rs779121185, ClinGen allele CA7820521.